The following is an entry in ClinVar:

NM_201384.3(PLEC):c.8310C>G (p.Ala2770=)

Gene: PLEC (plectin; minus strand). Cytogenetic location: 8q24.3.
Variant type: single nucleotide variant.
Coding change: c.8310C>G on transcript NM_201384.3 (MANE Select); coding-DNA position 8310, C replaced by G.
Protein change: p.Ala2770=; no amino-acid change (alanine 2770 retained).
Molecular consequence: synonymous variant.
Genome position (GRCh38, 1-based): chr8:143,921,511, G>C on the plus strand (C>G on the coding strand, the complement: PLEC is on the minus strand). VCF-style: chr8-143921511-G-C. GRCh37 (hg19) VCF-style: chr8-144995679-G-C.
Other names: c.8391C>G, p.Ala2797= (NM_000445.5); c.8268C>G, p.Ala2756= (NM_201378.4); c.8244C>G, p.Ala2748= (NM_201379.3); c.8721C>G, p.Ala2907= (NM_201380.4); c.8214C>G, p.Ala2738= (NM_201381.3); c.8310C>G, p.Ala2770= (NM_201382.4); c.8322C>G, p.Ala2774= (NM_201383.3).
Identifiers: ClinVar variation 506529 (VCV000506529.14), dbSNP rs782338339, ClinGen allele CA4925366.

ClinVar aggregate classification (germline): Likely benign. Review status: criteria provided, multiple submitters, no conflicts (2 of 4 stars). 3 submissions from 3 submitters: Likely benign (3). Last evaluated 2025-11-01.

Conditions:
Epidermolysis bullosa simplex 5C, with pyloric atresia (EBS5C). Also called: PLEC-Related Epidermolysis Bullosa with Pyloric Atresia; Epidermolysis bullosa simplex with pyloric atresia; PLEC1-Related Epidermolysis Bullosa with Pyloric Atresia. Identifiers: Orphanet 158684, MedGen C2677349, MONDO:0012807, OMIM 612138.
Epidermolysis bullosa simplex, Ogna type (EBS5A). Also called: Pidermolysis bullosa simplex 5A, Ogna type; EPIDERMOLYSIS BULLOSA SIMPLEX 5A, OGNA TYPE. Identifiers: Orphanet 79401, MedGen C0432317, MONDO:0007555, OMIM 131950.
Autosomal recessive limb-girdle muscular dystrophy type 2Q (LGMDR17). Also called: MUSCULAR DYSTROPHY, LIMB-GIRDLE, AUTOSOMAL RECESSIVE 17. Identifiers: Orphanet 254361, MedGen C3150989, MONDO:0013390, OMIM 613723.
Epidermolysis bullosa simplex with nail dystrophy (EBS5D). Identifiers: MedGen C4225309, MONDO:0014661, OMIM 616487.
Epidermolysis bullosa simplex 5B, with muscular dystrophy (EBS5B). Also called: Epidermolysis bullosa simplex with muscular dystrophy; EPIDERMOLYSIS BULLOSA SIMPLEX AND LIMB-GIRDLE MUSCULAR DYSTROPHY. Identifiers: Orphanet 257, MedGen C2931072, MONDO:0009181, OMIM 226670.

gnomAD v4.1: 15 of 1,612,968 alleles (0.00093%); highest among the groups gnomAD compares: Admixed American, 0.0017%; no homozygotes.

Submissions (3):

CeGaT Center for Human Genetics Tuebingen
Classification: Likely benign. Last evaluated: 2025-11-01. Review status: criteria provided, single submitter. Criteria: CeGaT Center For Human Genetics Tuebingen Variant Classification Criteria Version 2. Collection method: clinical testing. Allele origin: germline. Affected: yes. Observed: 1 variant allele.
Comment: PLEC: BP4, BP7

Labcorp Genetics (formerly Invitae), Labcorp
Classification: Likely benign for Autosomal recessive limb-girdle muscular dystrophy type 2Q; Epidermolysis bullosa simplex, Ogna type; Epidermolysis bullosa simplex with nail dystrophy; Epidermolysis bullosa simplex 5C, with pyloric atresia; Epidermolysis bullosa simplex 5B, with muscular dystrophy. Last evaluated: 2024-02-12. Review status: criteria provided, single submitter. Criteria: Invitae Variant Classification Sherloc (09022015). Collection method: clinical testing. Allele origin: germline.

GeneDx
Classification: Likely benign. Last evaluated: 2017-02-27. Review status: criteria provided, single submitter. Criteria: GeneDx Variant Classification (06012015). Collection method: clinical testing. Allele origin: germline. Affected: yes.
Comment: This variant is considered likely benign or benign based on one or more of the following criteria: it is a conservative change, it occurs at a poorly conserved position in the protein, it is predicted to be benign by multiple in silico algorithms, and/or has population frequency not consistent with disease.